The following is an entry in ClinVar:

ClinVar aggregate classification (germline): Conflicting classifications of pathogenicity. Review status: criteria provided, conflicting classifications (1 of 4 stars). 3 submissions from 3 submitters: Uncertain significance (2); Likely benign (1). Last evaluated 2026-09-08.

Conditions:
Fabry disease. Also called: ANDERSON-FABRY DISEASE; CERAMIDE TRIHEXOSIDASE DEFICIENCY; GLA DEFICIENCY; HEREDITARY DYSTOPIC LIPIDOSIS; Fabry's disease; ALPHA-GALACTOSIDASE A DEFICIENCY. Identifiers: Orphanet 324, MedGen C0002986, MONDO:0010526, OMIM 301500, HP:0001071. Disease mechanism: Fabry disease is due to inactivating mutations in the X-linked GLA gene resulting in deficiency of the enzyme Alpha Galactosidase-A., loss of function.

Submissions (3):

Genomenon, Inc
Classification: Uncertain significance for Fabry disease. Last evaluated: 2026-09-08. Review status: criteria provided, single submitter. Criteria: Genomenon Sequence Variant Interpretation Standards - Updated. Collection method: curation. Allele origin: germline. Affected: no.
Comment: GLA c.548-5T>A is an intronic variant located in the acceptor splice region of intron 3. This variant has been reported in the published literature (PMID:34354036). It is absent or not present at a significant frequency in gnomAD. In silico models predict that this variant is not damaging. In conclusion, we classify GLA c.548-5T>A as a variant of uncertain significance.

Labcorp Genetics (formerly Invitae), Labcorp
Classification: Likely benign for Fabry disease. Last evaluated: 2025-01-19. Review status: criteria provided, single submitter. Criteria: Invitae Variant Classification Sherloc (09022015). Collection method: clinical testing. Allele origin: germline.

All of Us Research Program, National Institutes of Health
Classification: Uncertain significance for Fabry disease. Last evaluated: 2024-05-30. Review status: criteria provided, single submitter. Criteria: ACMG Guidelines, 2015. Collection method: clinical testing. Allele origin: germline. Inheritance: X-linked inheritance. Observed: 1 variant allele, 1 heterozygote.
Comment: This variant causes a T to A nucleotide substitution at the -5 position of intron 3 of the GLA gene. Splice site prediction tools suggest that this variant may not impact RNA splicing. To our knowledge, functional studies have not been reported for this variant. This variant has been reported in one individual affected with end-stage renal disease (PMID: 34354036) as well as in five asymptomatic family members. This variant has not been identified in the general population by the Genome Aggregation Database (gnomAD). The available evidence is insufficient to determine the role of this variant in disease conclusively. Therefore, this variant is classified as a Variant of Uncertain Significance.

This study involves interpretation of variants in research participants for the purpose of population health screening. Participant phenotype was not available at the time of variant classification. Additional details can be found in publication PMID: 35346344, PMCID: PMC8962531

Literature cited by the submitters: PubMed 34354036 (cited by Genomenon, Inc and All of Us Research Program, National Institutes of Health).

NM_000169.3(GLA):c.548-5T>A

Genes: GLA (galactosidase alpha; minus strand), RPL36A-HNRNPH2 (RPL36A-HNRNPH2 readthrough; plus strand). Cytogenetic location: Xq22.1.
Variant type: single nucleotide variant.
Coding change: c.548-5T>A on transcript NM_000169.3 (MANE Select); 5 bases into the intron before coding-DNA position 548, T replaced by A.
Molecular consequence: intron variant.
Genome position (GRCh38, 1-based): chrX:101,400,762, A>T on the plus strand (T>A on the coding strand, the complement: GLA is on the minus strand). VCF-style: chrX-101400762-A-T. GRCh37 (hg19) VCF-style: chrX-100655750-A-T.
Other names: c.300+5305A>T (NM_001199973.2); c.177+8940A>T (NM_001199974.2); c.671-5T>A (NM_001406747.1); c.548-5T>A (NM_001406748.1).
Identifiers: ClinVar variation 2099248 (VCV002099248.7), dbSNP rs2147476253, ClinGen allele CA2580100070.